The following is an entry in ClinVar:

NM_030662.4(MAP2K2):c.784G>A (p.Val262Ile)

Gene: MAP2K2 (mitogen-activated protein kinase kinase 2; minus strand). Cytogenetic location: 19p13.3.
Variant type: single nucleotide variant.
Coding change: c.784G>A on transcript NM_030662.4 (MANE Select); coding-DNA position 784, G replaced by A.
Protein change: p.Val262Ile; replaces valine 262 with isoleucine.
Molecular consequence: missense variant.
Genome position (GRCh38, 1-based): chr19:4,099,336, C>T on the plus strand (G>A on the coding strand, the complement: MAP2K2 is on the minus strand). VCF-style: chr19-4099336-C-T. GRCh37 (hg19) VCF-style: chr19-4099334-C-T.
Other names: p.V262I:GTC>ATC; NM_030662.3(MAP2K2):c.784G>A; NM_030662.4(MAP2K2):c.784G>A; short protein forms V262I.
Identifiers: ClinVar variation 46242 (VCV000046242.17), dbSNP rs138873805, ClinGen allele CA137966.

ClinVar aggregate classification (germline): Uncertain significance. Review status: reviewed by expert panel (3 of 4 stars). 6 submissions from 6 submitters: Uncertain significance (1). 5 of the submissions do not count toward it. Last evaluated 2024-09-17.

Conditions:
RASopathy. Also called: rasopathies; Noonan spectrum disorder. Identifiers: Orphanet 536391, MedGen C5555857, MONDO:0021060.

Allele frequency attached by ClinVar (database versions not stated): gnomAD 0.00014 and 0.00015; TOPMed 0.00015; ESP Exome Variant Server 0.00023.

Submissions (6):

ClinGen RASopathy Variant Curation Expert Panel
Classification: Uncertain significance for RASopathy. Last evaluated: 2024-09-17. Review status: reviewed by expert panel. Criteria: ClinGen RASopathy ACMG Specifications MAP2K2 V2.1.0. Collection method: curation. Allele origin: germline. Inheritance: Autosomal dominant inheritance.
Comment: The c.784G>A variant in the MAP2K2 gene is a missense variant predicted to cause substitution of valine by isoleucine at amino acid 262 (p.Val262Ile). The filtering allele frequency in gnomAD v4.1.0 is 0.01543% (201/1178752 alleles) in the European (non-Finnish) population (PM2_Supporting/BS1/BA1 are not met). The computational predictor REVEL gives a score of 0.219, which predicts no impact on protein function (BP4). This variant has been identified in 4 independent occurrences in patients with disparate phenotypes of RASopathy (PS4 not met; GeneDx, LMM internal data; GTR ID's 26957, 21766; SCV000207950.9, SCV000063182.5). In summary, this variant meets criteria to be classified as variant of uncertain significance for autosomal dominant RASopathies based on the ACMG/AMP criteria applied, as specified by the ClinGen RASopathy Variant Curation Expert Panel: BP4 (Specification Version 2.1, 9/17/2024)

Labcorp Genetics (formerly Invitae), Labcorp
Classification: Uncertain significance for RASopathy. Last evaluated: 2025-12-09. Review status: criteria provided, single submitter. Criteria: Invitae Variant Classification Sherloc (09022015). Collection method: clinical testing. Allele origin: germline. Not counted in ClinVar's aggregate classification.
Comment: This sequence change replaces valine, which is neutral and non-polar, with isoleucine, which is neutral and non-polar, at codon 262 of the MAP2K2 protein (p.Val262Ile). This variant is present in population databases (rs138873805, gnomAD 0.01%). This variant has not been reported in the literature in individuals affected with MAP2K2-related conditions. ClinVar contains an entry for this variant (Variation ID: 46242). Invitae Evidence Modeling incorporating data from in vitro experimental studies (internal data) indicates that this missense variant is not expected to disrupt MAP2K2 function with a negative predictive value of 95%. In summary, the available evidence is currently insufficient to determine the role of this variant in disease. Therefore, it has been classified as a Variant of Uncertain Significance.

Blueprint Genetics
Classification: Likely benign. Last evaluated: 2024-02-15. Review status: criteria provided, single submitter. Criteria: ACMG Guidelines, 2015. Collection method: clinical testing. Allele origin: germline. Not counted in ClinVar's aggregate classification.

Women's Health and Genetics/Laboratory Corporation of America, LabCorp
Classification: Likely benign. Last evaluated: 2020-04-01. Review status: criteria provided, single submitter. Criteria: LabCorp Variant Classification Summary - May 2015. Collection method: clinical testing. Allele origin: germline. Inheritance: Autosomal dominant inheritance. Not counted in ClinVar's aggregate classification.
Comment: Variant summary: MAP2K2 c.784G>A (p.Val262Ile) results in a conservative amino acid change located in the Protein kinase domain (IPR000719) of the encoded protein sequence. Five of five in-silico tools predict a benign effect of the variant on protein function. The variant allele was found at a frequency of 5.8e-05 in 243172 control chromosomes (gnomAD). The observed variant frequency is approximately 23-fold of the estimated maximal expected allele frequency for a pathogenic variant in MAP2K2 causing Noonan Syndrome and Related Conditions phenotype (2.5e-06), strongly suggesting that the variant is benign. To our knowledge, no occurrence of c.784G>A in individuals affected with Noonan Syndrome and Related Conditions and no experimental evidence demonstrating its impact on protein function have been reported in the literature. Evidence provided in ClinVar database report 4 independent occurrences of the variant in patients with a RASopathy (ClinVar SCV000616544.3). However, the submitters that provided these internal data both cite the variant as likely benign (evaluation before 2014) (ClinVar SCV000207950.9, SCV000063182.5). A publication, Brnich et al (2018), utilizing an algorithmic analysis of the ACMG/AMP rules assessed the variant to be likely benign. Two ClinVar submitters including an expert panel (ClinGen RASopathy Variant Curation Expert Panel) (evaluation after 2014) cite the variant as uncertain significance. Based on the evidence outlined above, the variant was classified as likely benign.

GeneDx
Classification: Likely benign. Last evaluated: 2013-09-08. Review status: criteria provided, single submitter. Criteria: GeneDx Variant Classification (06012015). Collection method: clinical testing. Allele origin: germline. Affected: yes. Not counted in ClinVar's aggregate classification.
Comment: This variant is considered likely benign or benign based on one or more of the following criteria: it is a conservative change, it occurs at a poorly conserved position in the protein, it is predicted to be benign by multiple in silico algorithms, and/or has population frequency not consistent with disease.

Laboratory for Molecular Medicine, Mass General Brigham Personalized Medicine
Classification: Likely benign. Last evaluated: 2010-03-30. Review status: criteria provided, single submitter. Criteria: LMM Criteria. Collection method: clinical testing. Allele origin: germline. Observed: 1 variant allele. Not counted in ClinVar's aggregate classification.

Literature cited by the submitters: PubMed 30095857 (cited by Women's Health and Genetics/Laboratory Corporation of America, LabCorp); PubMed 22753777 (cited by Women's Health and Genetics/Laboratory Corporation of America, LabCorp).